The following is an entry in ClinVar:

NM_001035.3(RYR2):c.3721G>C (p.Val1241Leu)

Gene: RYR2 (ryanodine receptor 2; plus strand). Cytogenetic location: 1q43.
Variant type: single nucleotide variant.
Coding change: c.3721G>C on transcript NM_001035.3 (MANE Select); coding-DNA position 3721, G replaced by C.
Protein change: p.Val1241Leu; replaces valine 1241 with leucine.
Molecular consequence: missense variant.
Genome position (GRCh38, 1-based): chr1:237,589,915, G>C. VCF-style: chr1-237589915-G-C. GRCh37 (hg19) VCF-style: chr1-237753215-G-C.
Other names: short protein forms V1241L.
Identifiers: ClinVar variation 1734302 (VCV001734302.3), dbSNP rs185715460, ClinGen allele CA345396397.

ClinVar aggregate classification (germline): Uncertain significance. Review status: criteria provided, multiple submitters, no conflicts (2 of 4 stars). 2 submissions from 2 submitters: Uncertain significance (2). Last evaluated 2023-11-30.

Conditions:
Cardiovascular phenotype. Identifiers: MedGen CN230736.
Catecholaminergic polymorphic ventricular tachycardia (CVPT). Also called: Catecholamine-induced polymorphic ventricular tachycardia. Identifiers: Orphanet 3286, MedGen C5574922, MONDO:0017990.

gnomAD v4.1: 3 of 1,613,862 alleles (0.00019%); highest among the groups gnomAD compares: Non-Finnish European, 0.00025%; no homozygotes.

Submissions (2):

All of Us Research Program, National Institutes of Health
Classification: Uncertain significance for Catecholaminergic polymorphic ventricular tachycardia. Last evaluated: 2023-11-30. Review status: criteria provided, single submitter. Criteria: ACMG Guidelines, 2015. Collection method: clinical testing. Allele origin: germline. Inheritance: Autosomal dominant inheritance. Observed: 1 variant allele, 1 heterozygote.
Comment: This study involves interpretation of variants in research participants for the purpose of population health screening. Participant phenotype was not available at the time of variant classification. Additional details can be found in publication PMID: 35346344, PMCID: PMC8962531

Ambry Genetics
Classification: Uncertain significance for Cardiovascular phenotype. Last evaluated: 2021-09-02. Review status: criteria provided, single submitter. Criteria: Ambry Variant Classification Scheme 2023. Collection method: clinical testing. Allele origin: germline.
Comment: The p.V1241L variant (also known as c.3721G>C), located in coding exon 30 of the RYR2 gene, results from a G to C substitution at nucleotide position 3721. The valine at codon 1241 is replaced by leucine, an amino acid with highly similar properties. This amino acid position is well conserved in available vertebrate species. In addition, the in silico prediction for this alteration is inconclusive. Since supporting evidence is limited at this time, the clinical significance of this alteration remains unclear.